The following is an entry in ClinVar:

NM_001130009.3(GEN1):c.1609T>C (p.Cys537Arg)

Gene: GEN1 (GEN1 structure-specific endonuclease; plus strand). Cytogenetic location: 2p24.2.
Variant type: single nucleotide variant.
Coding change: c.1609T>C on transcript NM_001130009.3 (MANE Select); coding-DNA position 1609, T replaced by C.
Protein change: p.Cys537Arg; replaces cysteine 537 with arginine.
Molecular consequence: missense variant.
Genome position (GRCh38, 1-based): chr2:17,780,821, T>C. VCF-style: chr2-17780821-T-C. GRCh37 (hg19) VCF-style: chr2-17962088-T-C.
Other names: c.1609T>C, p.Cys537Arg (NM_182625.5); c.1609T>C (NM_001130009.1); short protein forms C537R.
Identifiers: ClinVar variation 1427515 (VCV001427515.11), dbSNP rs765356309, ClinGen allele CA1540803.
Genomic context (GRCh38, chr2:17,780,821, plus strand): 5'-TTACCACAGGAATCTATTTCTGCCTCATTGAATAGCTTGCTTTTACCTAAAAATACTCCA[T>C]GTTTGAATGCACAAGAACAGTTCATGTCTTCTCTAAGACCTTTGGCTATACAGCAAATTA-3'
Protein context (NP_001123481.3, residues 527-547): NSLLLPKNTP[Cys537Arg]LNAQEQFMSS

ClinVar aggregate classification (germline): Uncertain significance. Review status: criteria provided, multiple submitters, no conflicts (2 of 4 stars). 2 submissions from 2 submitters: Uncertain significance (2). Last evaluated 2025-05-21.

Allele frequency attached by ClinVar (database versions not stated): gnomAD exomes 0.00001 and 0.00003; ExAC 0.00002; gnomAD 0.00003; TOPMed 0.00004.
gnomAD v4.1: 18 of 1,613,840 alleles (0.0011%); highest among the groups gnomAD compares: East Asian, 0.02%; no homozygotes.

Submissions (2):

Ambry Genetics
Classification: Uncertain significance. Last evaluated: 2025-05-21. Review status: criteria provided, single submitter. Criteria: Ambry Variant Classification Scheme 2023. Collection method: clinical testing. Allele origin: germline.

Labcorp Genetics (formerly Invitae), Labcorp
Classification: Uncertain significance. Last evaluated: 2024-02-29. Review status: criteria provided, single submitter. Criteria: Invitae Variant Classification Sherloc (09022015). Collection method: clinical testing. Allele origin: germline.
Comment: This sequence change replaces cysteine, which is neutral and slightly polar, with arginine, which is basic and polar, at codon 537 of the GEN1 protein (p.Cys537Arg). This variant is present in population databases (rs765356309, gnomAD 0.02%). This variant has not been reported in the literature in individuals affected with GEN1-related conditions. ClinVar contains an entry for this variant (Variation ID: 1427515). An algorithm developed to predict the effect of missense changes on protein structure and function (PolyPhen-2) suggests that this variant is likely to be tolerated. In summary, the available evidence is currently insufficient to determine the role of this variant in disease. Therefore, it has been classified as a Variant of Uncertain Significance.